The following is an entry in ClinVar:

NM_004281.4(BAG3):c.1061A>G (p.Lys354Arg)

Gene: BAG3 (BAG cochaperone 3; plus strand). Cytogenetic location: 10q26.11.
Variant type: single nucleotide variant.
Coding change: c.1061A>G on transcript NM_004281.4 (MANE Select); coding-DNA position 1061, A replaced by G.
Protein change: p.Lys354Arg; replaces lysine 354 with arginine.
Molecular consequence: missense variant.
Genome position (GRCh38, 1-based): chr10:119,676,615, A>G. VCF-style: chr10-119676615-A-G. GRCh37 (hg19) VCF-style: chr10-121436127-A-G.
Other names: short protein forms K354R.
Identifiers: ClinVar variation 3760892 (VCV003760892.2).

ClinVar aggregate classification (germline): Uncertain significance (1 of 4 stars; one submission).

Conditions:
Dilated cardiomyopathy 1HH (CMD1HH). Identifiers: Orphanet 154, MedGen C3151293, MONDO:0013479, OMIM 613881.
Myofibrillar myopathy 6. Identifiers: Orphanet 199340, MedGen C2751831, MONDO:0013061, OMIM 612954.

Submission:

Labcorp Genetics (formerly Invitae), Labcorp
Classification: Uncertain significance for Dilated cardiomyopathy 1HH; Myofibrillar myopathy 6. Last evaluated: 2024-03-30. Review status: criteria provided, single submitter. Criteria: Invitae Variant Classification Sherloc (09022015). Collection method: clinical testing. Allele origin: germline.
Comment: This sequence change replaces lysine, which is basic and polar, with arginine, which is basic and polar, at codon 354 of the BAG3 protein (p.Lys354Arg). This variant is not present in population databases (gnomAD no frequency). This variant has not been reported in the literature in individuals affected with BAG3-related conditions. Advanced modeling of protein sequence and biophysical properties (such as structural, functional, and spatial information, amino acid conservation, physicochemical variation, residue mobility, and thermodynamic stability) performed at Invitae indicates that this missense variant is not expected to disrupt BAG3 protein function with a negative predictive value of 80%. In summary, the available evidence is currently insufficient to determine the role of this variant in disease. Therefore, it has been classified as a Variant of Uncertain Significance.